The following is an entry in ClinVar:

NM_152730.6(TBC1D32):c.25CAGGCGATGCTG[3] (p.Leu16_Arg17insGlnAlaMetLeu)

Gene: TBC1D32 (TBC1 domain family member 32; minus strand). Cytogenetic location: 6q22.31.
Variant type: Microsatellite.
Coding change: c.25CAGGCGATGCTG[3] on transcript NM_152730.6 (MANE Select); three copies in a row of the 12-base unit CAGGCGATGCTG starting at c.25; the reference has two copies in a row; one copy, 12 bases duplicated.
Protein change: p.Leu16_Arg17insGlnAlaMetLeu.
Molecular consequence: inframe insertion. On other transcripts: non-coding transcript variant (1).
Genome position (GRCh38, 1-based): chr6:121,334,383-121,334,394, CAGCATCGCCTG duplicated on the plus strand (CAGGCGATGCTG on the coding strand, the reverse complement: TBC1D32 is on the minus strand); duplicating any 12 consecutive bases within chr6:121,334,383-121,334,406 gives the same sequence; the position shown is the placement nearest the transcript's 3' end. VCF-style (leftmost placement, unchanged base first): chr6-121334382-T-TCAGCATCGCCTG. GRCh37 (hg19) VCF-style: chr6-121655528-T-TCAGCATCGCCTG.
Other names: c.25CAGGCGATGCTG[3], p.Leu16_Arg17insGlnAlaMetLeu (NM_001367759.1, NM_001367760.1).
Identifiers: ClinVar variation 2185569 (VCV002185569.4), dbSNP rs756285985, ClinGen allele CA3981613.

ClinVar aggregate classification (germline): Uncertain significance (1 of 4 stars; one submission).

Submission:

Labcorp Genetics (formerly Invitae), Labcorp
Classification: Uncertain significance. Last evaluated: 2025-04-23. Review status: criteria provided, single submitter. Criteria: Invitae Variant Classification Sherloc (09022015). Collection method: clinical testing. Allele origin: germline.
Comment: This variant, c.37_48dup, results in the insertion of 4 amino acid(s) of the TBC1D32 protein (p.Gln13_Leu16dup), but otherwise preserves the integrity of the reading frame. This variant is present in population databases (rs780233385, gnomAD 0.004%). This variant has not been reported in the literature in individuals affected with TBC1D32-related conditions. In summary, the available evidence is currently insufficient to determine the role of this variant in disease. Therefore, it has been classified as a Variant of Uncertain Significance.